The following is an entry in ClinVar:

NM_003070.5(SMARCA2):c.1544G>C (p.Arg515Thr)

Gene: SMARCA2 (SWI/SNF related BAF chromatin remodeling complex subunit ATPase 2; plus strand). Cytogenetic location: 9p24.3.
Variant type: single nucleotide variant.
Coding change: c.1544G>C on transcript NM_003070.5 (MANE Select); coding-DNA position 1544, G replaced by C.
Protein change: p.Arg515Thr; replaces arginine 515 with threonine.
Molecular consequence: missense variant.
Genome position (GRCh38, 1-based): chr9:2,060,838, G>C. VCF-style: chr9-2060838-G-C. GRCh37 (hg19) VCF-style: chr9-2060838-G-C.
Other names: c.1544G>C, p.Arg515Thr (NM_001289396.2, NM_001289397.2, NM_139045.4); short protein forms R515T.
Identifiers: ClinVar variation 4855087 (VCV004855087.2).

ClinVar aggregate classification (germline): Uncertain significance. Review status: criteria provided, multiple submitters, no conflicts (2 of 4 stars). 2 submissions from 2 submitters: Uncertain significance (2). Last evaluated 2025-09-29.

Conditions:
SMARCA2-related disorder. Also called: SMARCA2-related condition.

Submissions (2):

3billion
Classification: Uncertain significance for SMARCA2-related disorder. Last evaluated: 2025-09-29. Review status: criteria provided, single submitter. Criteria: ACMG Guidelines, 2015. Collection method: clinical testing. Allele origin: germline. Affected: yes.
Comment: The variant is not observed in the gnomAD v4.1.0 dataset. Predicted Consequence/Location: Missense variant. Missense changes are a common disease-causing mechanism. In silico tool predictions suggest damaging effect of the variant on gene or gene product [3Cnet: 0.80 (> 0.75, sensitivity 0.96 and precision 0.92)]. Therefore, this variant is classified as VUS according to the recommendation of ACMG/AMP guideline.

Blueprint Genetics
Classification: Uncertain significance. Last evaluated: 2021-12-29. Review status: criteria provided, single submitter. Criteria: ACMG Guidelines, 2015. Collection method: clinical testing. Allele origin: germline.